The following is an entry in ClinVar:

ClinVar aggregate classification (germline): Pathogenic/Likely pathogenic. Review status: criteria provided, multiple submitters, no conflicts (2 of 4 stars). 4 submissions from 4 submitters: Pathogenic (1); Likely pathogenic (3). Last evaluated 2026-08-31.

Conditions:
Hereditary cancer-predisposing syndrome. Also called: Neoplastic Syndromes, Hereditary; Hereditary Cancer Syndrome; Hereditary neoplastic syndrome; Tumor predisposition. Identifiers: Orphanet 140162, MedGen C0027672, MeSH D009386, MONDO:0015356.
Cardiovascular phenotype. Identifiers: MedGen CN230736.
Neurofibromatosis, type 1 (NF1). Also called: VON RECKLINGHAUSEN DISEASE; Neurofibromatosis, type I; Peripheral type neurofibromatosis; NEUROFIBROMATOSIS, TYPE I, SOMATIC. Identifiers: Orphanet 636, MedGen C0027831, MONDO:0018975, OMIM 162200. Disease mechanism: loss of function.

Submissions (4):

Ambry Genetics
Classification: Pathogenic for Cardiovascular phenotype; Hereditary cancer-predisposing syndrome. Last evaluated: 2026-08-31. Review status: criteria provided, single submitter. Criteria: Ambry Variant Classification Scheme 2023. Collection method: clinical testing. Allele origin: germline.
Comment: The c.122A>T variant (also known as p.E41V), located in coding exon 2 of the NF1 gene, results from an A to T substitution at nucleotide position 122. The glutamic acid at codon 41 is replaced by valine, an amino acid with dissimilar properties. This variant was reported in individual(s) with features consistent with Neurofibromatosis type 1 (Setrajcic Dragos V et al. Front Genet, 2019 Aug;10:762). This nucleotide position is highly conserved in available vertebrate species. In silico splice site analysis predicts that this alteration will result in the creation or strengthening of a novel splice donor site. RNA studies have demonstrated that this alteration results in abnormal splicing in the set of samples tested (Ambry internal data; Setrajcic Dragos V et al. Front Genet, 2019 Aug;10:762; Drago&scaron; V&Scaron; et al. Biology (Basel), 2021 Jul;10). This variant is considered to be rare based on population cohorts in the Genome Aggregation Database (gnomAD). Based on the supporting evidence, this variant is interpreted as a disease-causing mutation.

Dr. med. U. Finckh, Human Genetics, Eurofins MVZ
Classification: Likely pathogenic for Neurofibromatosis, type 1. Last evaluated: 2021-06-20. Review status: criteria provided, single submitter. Criteria: ACMG Guidelines, 2015. Collection method: clinical testing. Allele origin: de novo. Affected: yes. Observed: 1 heterozygote.
Comment: The variant is not present in gnomAD (v.2.1.1). In silico tools predict the creation of a new splice donor in exon 2. It has been described in a proband with clinically diagnosed NF1 (PMID 31507634). RNA analysis reported in the same publication suggests the variant to lead to a skipping of 84bp (r.121_204del) with consecutive in-frame deletion of 28 amino acids (p.Glu41_Met68del).

Labcorp Genetics (formerly Invitae), Labcorp
Classification: Likely pathogenic for Neurofibromatosis, type 1. Last evaluated: 2021-04-05. Review status: criteria provided, single submitter. Criteria: Invitae Variant Classification Sherloc (09022015). Collection method: clinical testing. Allele origin: germline.
Comment: This sequence change replaces glutamic acid with valine at codon 41 of the NF1 protein (p.Glu41Val). The glutamic acid residue is highly conserved and there is a moderate physicochemical difference between glutamic acid and valine. RNA analysis indicates that this variant induces altered splicing and likely results in the loss of 28 amino acid residue(s), but is expected to preserve the integrity of the reading-frame. This variant is not present in population databases (ExAC no frequency). This variant has been observed in individual(s) with neurofibromatosis type 1 (NF1) (PMID: 31507634, Invitae). Algorithms developed to predict the effect of missense changes on protein structure and function are either unavailable or do not agree on the potential impact of this missense change (SIFT: "Deleterious"; PolyPhen-2: "Probably Damaging"; Align-GVGD: "Class C0"). Studies have shown that this variant is associated with the activation of a cryptic splice site in exon 2 (PMID: 31507634). This variant disrupts the p.Ser47 amino acid residue in NF1. Other variant(s) that disrupt this residue have been determined to be pathogenic (PMID: 27322474, 27716896, Invitae). This suggests that this residue is clinically significant, and that variants that disrupt this residue are likely to be disease-causing. In summary, the currently available evidence indicates that the variant is pathogenic, but additional data are needed to prove that conclusively. Therefore, this variant has been classified as Likely Pathogenic.

Department of Molecular Diagnostics, Institute of Oncology Ljubljana
Classification: Likely pathogenic for Neurofibromatosis, type 1. Last evaluated: 2018-09-05. Review status: criteria provided, single submitter. Criteria: ACMG Guidelines, 2015. Collection method: clinical testing. Allele origin: germline. Affected: yes. Observed: 1 heterozygote.
Comment: The variants is predicted to create a de novo donor splice site in exon 2 by in silico splicing tools. Functional RNA study has shown that the variant causes major splicing aberration - deletion of last 84 bp of exon 2, causing deletion of aminoacids 41-68 (PMID: 31507634, 34439939). Therefore the variant was classified as likely pathogenic (ACMG/AMP: PS3, PM2, PP3, and PP1 supporting).

Literature cited by the submitters: PubMed 31507634 (cited by Ambry Genetics and Labcorp Genetics (formerly Invitae), Labcorp); PubMed 34439939 (cited by Ambry Genetics); PubMed 27322474 (cited by Labcorp Genetics (formerly Invitae), Labcorp); PubMed 27716896 (cited by Labcorp Genetics (formerly Invitae), Labcorp); DOI 10.3389/fgene.2019.00762 (cited by Department of Molecular Diagnostics, Institute of Oncology Ljubljana).

NM_001042492.3(NF1):c.122A>T (p.Glu41Val)

Gene: NF1 (neurofibromin 1; plus strand). Cytogenetic location: 17q11.2.
Variant type: single nucleotide variant.
Coding change: c.122A>T on transcript NM_001042492.3 (MANE Select); coding-DNA position 122, A replaced by T.
Protein change: p.Glu41Val; replaces glutamic acid 41 with valine.
Molecular consequence: missense variant.
Genome position (GRCh38, 1-based): chr17:31,156,044, A>T. VCF-style: chr17-31156044-A-T. GRCh37 (hg19) VCF-style: chr17-29483062-A-T.
Other names: c.122A>T, p.Glu41Val (NM_000267.4, NM_001128147.3); short protein forms E41V.
Identifiers: ClinVar variation 586954 (VCV000586954.15), dbSNP rs786203038, ClinGen allele CA398988369.
Genomic context (GRCh38, chr17:31,156,044, plus strand): 5'-TTCCAATAAAAACAGGACAGCAGAACACACATACCAAAGTCAGTACTGAGCACAACAAGG[A>T]ATGTCTAATCAATATTTCCAAATACAAGTTTTCTTTGGTTATAAGCGGCCTCACTACTAT-3'
Protein context (NP_001035957.1, residues 31-51): HTKVSTEHNK[Glu41Val]CLINISKYKF